The following is an entry in ClinVar:

NM_000492.4(CFTR):c.2375G>A (p.Arg792Gln)

Gene: CFTR (CF transmembrane conductance regulator; plus strand). Cytogenetic location: 7q31.2.
Variant type: single nucleotide variant.
Coding change: c.2375G>A on transcript NM_000492.4 (MANE Select); coding-DNA position 2375, G replaced by A.
Protein change: p.Arg792Gln; replaces arginine 792 with glutamine.
Molecular consequence: missense variant.
Genome position (GRCh38, 1-based): chr7:117,592,542, G>A. VCF-style: chr7-117592542-G-A. GRCh37 (hg19) VCF-style: chr7-117232596-G-A.
Other names: short protein forms R792Q.
Identifiers: ClinVar variation 618951 (VCV000618951.8), dbSNP rs369040061, ClinGen allele CA4451178.
Genomic context (GRCh38, chr7:117,592,542, plus strand): 5'-TGATGACACACTCAGTTAACCAAGGTCAGAACATTCACCGAAAGACAACAGCATCCACAC[G>A]AAAAGTGTCACTGGCCCCTCAGGCAAACTTGACTGAACTGGATATATATTCAAGAAGGTT-3'
Protein context (NP_000483.3, residues 782-802): NIHRKTTAST[Arg792Gln]KVSLAPQANL

ClinVar aggregate classification (germline): Uncertain significance. Review status: criteria provided, multiple submitters, no conflicts (2 of 4 stars). 5 submissions from 5 submitters: Uncertain significance (5). Last evaluated 2024-02-09.

Conditions:
Cystic fibrosis (CF). Also called: MUCOVISCIDOSIS. Identifiers: Orphanet 586, MedGen C0010674, MONDO:0009061, OMIM 219700. Disease mechanism: loss of function.
CFTR-related disorder (CFTR-RD). Also called: CFTR-related disorders; CFTR-related condition. Identifiers: MedGen C5924204, MONDO:7770004.

Allele frequency attached by ClinVar (database versions not stated): TOPMed 0.00004; ExAC 0.00003; gnomAD 0.00004; ESP Exome Variant Server 0.00008; gnomAD exomes 0.00001 and 0.00003.
gnomAD v4.1: 19 of 1,521,780 alleles (0.0012%); highest among the groups gnomAD compares: Middle Eastern, 0.018%; no homozygotes.

Submissions (5):

Ambry Genetics
Classification: Uncertain significance for Cystic fibrosis. Last evaluated: 2024-02-09. Review status: criteria provided, single submitter. Criteria: Ambry Variant Classification Scheme 2023. Collection method: clinical testing. Allele origin: germline.
Comment: The p.R792Q variant (also known as c.2375G>A), located in coding exon 14 of the CFTR gene, results from a G to A substitution at nucleotide position 2375. The arginine at codon 792 is replaced by glutamine, an amino acid with highly similar properties. This amino acid position is highly conserved in available vertebrate species. In addition, this alteration is predicted to be deleterious by in silico analysis. Since supporting evidence is limited at this time, the clinical significance of this alteration remains unclear.

PreventionGenetics, part of Exact Sciences
Classification: Uncertain significance for CFTR-related condition. Last evaluated: 2023-06-20. Review status: criteria provided, single submitter. Criteria: ACMG Guidelines, 2015. Collection method: clinical testing. Allele origin: germline.
Comment: The CFTR c.2375G>A variant is predicted to result in the amino acid substitution p.Arg792Gln. To our knowledge, this variant has not been reported in the literature. This variant is reported in 0.025% of alleles in individuals of African descent in gnomAD. A different missense variant affecting the same amino acid (p.Arg792Gly) has been associated with congenital bilateral absence of the vas deference (Vankeerberghen et al 1998. PubMed ID: 9736778). At this time, the clinical significance of this variant is uncertain due to the absence of conclusive functional and genetic evidence.

Women's Health and Genetics/Laboratory Corporation of America, LabCorp
Classification: Uncertain significance. Last evaluated: 2023-02-04. Review status: criteria provided, single submitter. Criteria: LabCorp Variant Classification Summary - May 2015. Collection method: clinical testing. Allele origin: germline.
Comment: Variant summary: CFTR c.2375G>A (p.Arg792Gln) results in a conservative amino acid change located in the CFTR regulator domain of the encoded protein sequence. Four of five in-silico tools predict a damaging effect of the variant on protein function. The variant allele was found at a frequency of 3.3e-05 in 181524 control chromosomes. The available data on variant occurrences in the general population are insufficient to allow any conclusion about variant significance. c.2375G>A has been reported in the literature as a VUS with a non-informative genotype (second allele not specified) in individuals reprtedly affected with CF in a patient registry (daSilva Filho_2021) and in an observational study of current and former smokers in the COPD Gene study cohort (Saferali_2022). These report(s) do not provide unequivocal conclusions about association of the variant with Chronic Pancreatitis Risk/Cystic Fibrosis/CFTR-related disorders. To our knowledge, no experimental evidence demonstrating an impact on protein function has been reported. Two clinical diagnostic laboratories have submitted clinical-significance assessments for this variant to ClinVar after 2014 without evidence for independent evaluation. All laboratories classified the variant as uncertain significance. Based on the evidence outlined above, the variant was classified as uncertain significance.

Labcorp Genetics (formerly Invitae), Labcorp
Classification: Uncertain significance for Cystic fibrosis. Last evaluated: 2022-03-26. Review status: criteria provided, single submitter. Criteria: Invitae Variant Classification Sherloc (09022015). Collection method: clinical testing. Allele origin: germline.
Comment: This sequence change replaces arginine, which is basic and polar, with glutamine, which is neutral and polar, at codon 792 of the CFTR protein (p.Arg792Gln). This variant is present in population databases (rs369040061, gnomAD 0.03%). This variant has not been reported in the literature in individuals affected with CFTR-related conditions. ClinVar contains an entry for this variant (Variation ID: 618951). Algorithms developed to predict the effect of missense changes on protein structure and function are either unavailable or do not agree on the potential impact of this missense change (SIFT: "Deleterious"; PolyPhen-2: "Benign"; Align-GVGD: "Class C0"). In summary, the available evidence is currently insufficient to determine the role of this variant in disease. Therefore, it has been classified as a Variant of Uncertain Significance.

Mendelics
Classification: Uncertain significance for Cystic fibrosis. Last evaluated: 2018-11-05. Review status: criteria provided, single submitter. Criteria: Mendelics Assertion Criteria 2017. Collection method: clinical testing. Allele origin: unknown. Affected: yes.

Literature cited by the submitters: PubMed 32819855 (cited by Women's Health and Genetics/Laboratory Corporation of America, LabCorp); PubMed 34996830 (cited by Women's Health and Genetics/Laboratory Corporation of America, LabCorp).